The following continues an entry in ClinVar:

NM_000492.4(CFTR):c.350G>A (p.Arg117His)

Gene: CFTR. ClinVar aggregate classification (germline): Pathogenic. Pathogenic (1).

Submissions 10 to 25 of 50:

ARUP Laboratories, Molecular Genetics and Genomics, ARUP Laboratories
Classification: Pathogenic for Cystic fibrosis; Bronchiectasis with or without elevated sweat chloride 1; Hereditary pancreatitis; Congenital bilateral aplasia of vas deferens from CFTR mutation. Last evaluated: 2025-07-28. Review status: criteria provided, single submitter. Criteria: ARUP Molecular Germline Variant Investigation Process 2024. Collection method: clinical testing. Allele origin: germline. Not counted in ClinVar's aggregate classification.
Comment: The CFTR c.350G>A; p.Arg117His (R117H) variant (rs78655421) is reported in gene-specific databases (CFTR2 Database, ABCC7 Database and references therein) and ClinVar (Variation ID: 7109). Functional analyses show that p.Arg117His protein has reduced conductance and a decreased occupancy in the open state (LaRusch 2014, Van Goor 2014, Yu 2016), and this variant is found in the general population at an overall allele frequency of 0.1% (398/276670 alleles, 1 homozygote) in the Genome Aggregation Database. The p.Arg117His variant is associated with two haplotypes of differing phenotypes when identified with a pathogenic variant on the opposite chromosome. When p.Arg117His is on the same chromosome as the 5T variant in IVS 8, this complex variant is considered pathogenic for cystic fibrosis, but in the absence of 5T, p.Arg117His alone is considered mildly pathogenic and associated with CFTR-related disorders, such as an isolated presentation of congenital bilateral absence of the vas deferens or pancreatitis or mild lung disease (Kiesewetter 1993, Raraigh 2022). References: CFTR2 database: ABCC7 database: Kiesewetter S et al. A mutation in CFTR produces different phenotypes depending on chromosomal background. Nat Genet. 1993 Nov;5(3):274-8. PMID: 7506096. LaRusch J et al. Mechanisms of CFTR functional variants that impair regulated bicarbonate permeation and increase risk for pancreatitis but not for cystic fibrosis. PLoS Genet. 2014 Jul 17;10(7):e1004376. PMID: 25033378. Raraigh KS et al. Complete CFTR gene sequencing in 5,058 individuals with cystic fibrosis informs variant-specific treatment. J Cyst Fibros. 2022 May;21(3):463-470. PMID: 34782259. Van Goor F et al. Effect of ivacaftor on CFTR forms with missense mutations associated with defects in protein processing or function. J Cyst Fibros. 2014 Jan;13(1):29-36. PMID: 23891399. Yu YC et al. On the mechanism of gating defects caused by the R117H mutation in cystic fibrosis transmembrane conductance regulator. J Physiol. 2016 Jun 15;594(12):3227-44. PMID: 26846474.

Variantyx, Inc.
Classification: Pathogenic for Cystic fibrosis. Last evaluated: 2025-03-13. Review status: criteria provided, single submitter. Criteria: Variantyx Assertion Criteria 2022. Collection method: clinical testing. Allele origin: germline. Not counted in ClinVar's aggregate classification.
Comment: This is a nonsynonymous variant in the CFTR gene (OMIM: 602421). Pathogenic variants in this gene have been associated with autosomal recessive cystic fibrosis. This variant has been reported in the homozygous or compound heterozygous state in many unrelated affected individuals (PMID: 7506096, 11491164, 25033378, CFTR2 database available at CFTR2) (PM3_Very_Strong). Functional studies have shown that this variant alters CFTR protein function (PMID: 11242048, 21507732, 21594800) (PS3). Two alternate amino acid changes at this position (p.Arg117Pro, p.Arg117Cys) have been previously reported in affected individuals (PM5). Multiple computational algorithms predict a deleterious effect for this variant (REVEL score: 0.807) (PP3_Moderate). Other reputable laboratories have reported this variant as pathogenic or likely pathogenic, and this classification has been validated by an expert panel in ClinVar (PP5). This variant has a 0.2646% maximum allele frequency in non-founder control populations. Based on the current evidence, this variant is classified as pathogenic for autosomal recessive cystic fibrosis.

Institute of Human Genetics, University of Leipzig Medical Center
Classification: Pathogenic for Congenital bilateral aplasia of vas deferens from CFTR mutation. Last evaluated: 2024-11-26. Review status: criteria provided, single submitter. Criteria: ACMG Guidelines, 2015. Collection method: clinical testing. Allele origin: maternal. Inheritance: Autosomal recessive inheritance. Affected: yes. Not counted in ClinVar's aggregate classification.
Comment: Criteria applied: PS3,PM3_STR,PM5_STR,PP3; Identified as compound heterozygous with NM_000492.4:c.3794G>A

Blueprint Genetics
Classification: Pathogenic for CFTR-related disorders. Last evaluated: 2024-11-19. Review status: criteria provided, single submitter. Criteria: ACMG Guidelines, 2015. Collection method: clinical testing. Allele origin: germline. Affected: yes. Observed: 5 variant alleles. Not counted in ClinVar's aggregate classification.

Ambry Genetics
Classification: Pathogenic for Cystic fibrosis. Last evaluated: 2024-10-11. Review status: criteria provided, single submitter. Criteria: Ambry Variant Classification Scheme 2023. Collection method: clinical testing. Allele origin: germline. Not counted in ClinVar's aggregate classification.
Comment: The p.R117H pathogenic mutation (also known as c.350G>A), located in coding exon 4 of the CFTR gene, results from a G to A substitution at nucleotide position 350. The arginine at codon 117 is replaced by histidine, an amino acid with highly similar properties. The penetrance of the p.R117H mutation is modified by the poly-thymidine tract in CFTR intron 9; decreasing length of the poly-thymidine tract correlates with an increased risk for cystic fibrosis phenotype. When p.R117H is on the same chromosome as 5T (in cis) it is a disease causing mutation; when in cis with 7T, the allele acts as a variant of varying clinical consequence (VVCC) (Sosnay PR et al. Nat. Genet. 2013 Oct; 45(10):1160-7; Sosnay PR et al. Pediatr. Clin. North Am. 2016 Aug;63(4):585-98). In a study of 179 individuals who were compound heterozygous for p.R117H and another pathogenic CFTR mutation, 172 had poly-thymidine variant results documented, with the majority being 7T and only five individuals carrying the 5T allele. Clinical data were available for 166 individuals and diagnoses included: isolated CBAVD (83 individuals), CFTR-related disorder with mild or absent pulmonary disease (67 individuals), late-onset marked pulmonary disease (4 individuals), and asymptomatic (12 individuals) (Thauvin-Robinet C et al. J. Med. Genet., 2013 Apr;50:220-7). Based on the supporting evidence, this alteration is interpreted as a disease-causing mutation.

Revvity Omics, Revvity
Classification: Pathogenic. Last evaluated: 2024-10-04. Review status: criteria provided, single submitter. Criteria: ACMG Guidelines, 2015. Collection method: clinical testing. Allele origin: germline. Not counted in ClinVar's aggregate classification.

Baylor Genetics
Classification: Pathogenic for Bronchiectasis with or without elevated sweat chloride 1. Last evaluated: 2024-03-30. Review status: criteria provided, single submitter. Criteria: ACMG Guidelines, 2015. Collection method: clinical testing. Allele origin: unknown. Not counted in ClinVar's aggregate classification.

Genomic Medicine Center of Excellence, King Faisal Specialist Hospital and Research Centre
Classification: Pathogenic for Pseudomonas aeruginosa, susceptibility to chronic infection by, in cystic fibrosis. Last evaluated: 2024-03-14. Review status: criteria provided, single submitter. Criteria: ACMG Guidelines, 2015. Collection method: clinical testing. Allele origin: germline. Not counted in ClinVar's aggregate classification.

Quest Diagnostics Nichols Institute San Juan Capistrano
Classification: Pathogenic. Last evaluated: 2024-03-05. Review status: criteria provided, single submitter. Criteria: Quest Diagnostics criteria. Collection method: clinical testing. Allele origin: unknown. Not counted in ClinVar's aggregate classification.
Comment: The CFTR c.350G>A (p.Arg117His) variant causes the synthesis of a partially functional CFTR protein and is associated with variable expressivity. When this variant occurs on the same chromosome (in cis) with the 7T or 9T polymorphism in intron 9 and with another CFTR pathogenic variant associated with cystic fibrosis (CF) on the opposite chromosome (in trans), it is associated with a variable phenotype. The variable phenotype ranges from asymptomatic to CFTR-related disorders, such as congenital bilateral absence of the vas deferens (CBAVD) in males. However, if the c.350G>A (p.Arg117His) CFTR pathogenic variant occurs in cis with the 5T polymorphism in intron 9 and with a CF pathogenic variant in trans, it is associated with CF (PMID: 32404922 (2020) and CFTR2 database). Genetic counseling and testing of at-risk relatives are recommended.

Fulgent Genetics
Classification: Pathogenic for Hereditary pancreatitis; Bronchiectasis with or without elevated sweat chloride 1; Cystic fibrosis; Congenital bilateral aplasia of vas deferens from CFTR mutation. Last evaluated: 2024-01-24. Review status: criteria provided, single submitter. Criteria: ACMG Guidelines, 2015. Collection method: clinical testing. Allele origin: germline. Not counted in ClinVar's aggregate classification.

Mayo Clinic Laboratories, Mayo Clinic
Classification: Pathogenic. Last evaluated: 2023-10-16. Review status: criteria provided, single submitter. Criteria: ACMG Guidelines, 2015. Collection method: clinical testing. Allele origin: germline. Not counted in ClinVar's aggregate classification.

Baylor Genetics
Classification: Pathogenic for Cystic fibrosis. Last evaluated: 2023-01-27. Review status: criteria provided, single submitter. Criteria: ACMG Guidelines, 2015. Collection method: clinical testing. Allele origin: unknown. Not counted in ClinVar's aggregate classification.

Clinical Genetics Laboratory, Skane University Hospital Lund
Classification: Likely pathogenic. Last evaluated: 2022-05-27. Review status: criteria provided, single submitter. Criteria: ACMG Guidelines, 2015. Collection method: clinical testing. Allele origin: germline. Affected: yes. Not counted in ClinVar's aggregate classification.

AiLife Diagnostics
Classification: Likely pathogenic. Last evaluated: 2022-03-30. Review status: criteria provided, single submitter. Criteria: ACMG Guidelines, 2015. Collection method: clinical testing. Allele origin: germline. Affected: yes. Observed: 2 variant alleles. Not counted in ClinVar's aggregate classification.

MGZ Medical Genetics Center
Classification: Pathogenic for Cystic fibrosis. Last evaluated: 2022-02-22. Review status: criteria provided, single submitter. Criteria: ACMG Guidelines, 2015. Collection method: clinical testing. Allele origin: germline. Affected: yes. Observed: 2 variant alleles. Not counted in ClinVar's aggregate classification.
Comment: ACMG criteria applied: PS4, PM3_STR, PP3, PP4

Institute for Clinical Genetics, University Hospital TU Dresden, University Hospital TU Dresden
Classification: Pathogenic. Last evaluated: 2021-11-03. Review status: criteria provided, single submitter. Criteria: ACMG Guidelines, 2015. Collection method: clinical testing. Allele origin: germline. Not counted in ClinVar's aggregate classification.